The following is an entry in ClinVar:

ClinVar aggregate classification (germline): Likely pathogenic (1 of 4 stars; one submission).

Conditions:
QRICH2-related disorder. Also called: QRICH2-related condition.

Submission:

PreventionGenetics, part of Exact Sciences
Classification: Likely pathogenic for QRICH2-related condition. Last evaluated: 2023-03-05. Review status: criteria provided, single submitter. Criteria: ACMG Guidelines, 2015. Collection method: clinical testing. Allele origin: germline.
Comment: The QRICH2 c.4416dupC variant is predicted to result in a frameshift and premature protein termination (p.Asn1473Glnfs*12). To our knowledge, this variant has not been reported in the literature or in a large population database, indicating this variant is rare. Frameshift variants in QRICH2 are expected to be pathogenic. This variant is interpreted as likely pathogenic.

NM_001388453.1(QRICH2):c.4914dup (p.Asn1639fs)

Gene: QRICH2 (glutamine rich 2; minus strand). Cytogenetic location: 17q25.1.
Variant type: Duplication.
Coding change: c.4914dup on transcript NM_001388453.1 (MANE Select); coding-DNA position 4914, one base duplicated (C; older notation c.4914dupC).
Protein change: p.Asn1639fs; shifts the reading frame from asparagine 1639.
Molecular consequence: frameshift variant. On other transcripts: non-coding transcript variant (1).
Genome position (GRCh38, 1-based): chr17:76,279,043, G duplicated on the plus strand (C on the coding strand, the reverse complement: QRICH2 is on the minus strand). VCF-style (leftmost placement, unchanged base first): chr17-76279042-T-TG. GRCh37 (hg19) VCF-style: chr17-74275123-T-TG.
Other names: c.4914dup, p.Asn1639fs (NM_032134.3); short protein forms N1639fs.
Identifiers: ClinVar variation 2630353 (VCV002630353.1), dbSNP rs1161756211, ClinGen allele CA775151750.